The following is an entry in ClinVar:

ClinVar aggregate classification (germline): Uncertain significance (1 of 4 stars; one submission).

Allele frequency attached by ClinVar (database versions not stated): gnomAD 0.00001; TOPMed 0.00002.

Submission:

Labcorp Genetics (formerly Invitae), Labcorp
Classification: Uncertain significance. Last evaluated: 2025-12-19. Review status: criteria provided, single submitter. Criteria: Invitae Variant Classification Sherloc (09022015). Collection method: clinical testing. Allele origin: germline.
Comment: This sequence change replaces valine, which is neutral and non-polar, with leucine, which is neutral and non-polar, at codon 10 of the TFAM protein (p.Val10Leu). This variant is present in population databases (rs756889032, gnomAD 0.03%). This variant has not been reported in the literature in individuals affected with TFAM-related conditions. ClinVar contains an entry for this variant (Variation ID: 2056594). An algorithm developed to predict the effect of missense changes on protein structure and function outputs the following: PolyPhen-2: "Benign". The leucine amino acid residue is found in multiple mammalian species, which suggests that this missense change does not adversely affect protein function. In summary, the available evidence is currently insufficient to determine the role of this variant in disease. Therefore, it has been classified as a Variant of Uncertain Significance.

NM_003201.3(TFAM):c.28G>T (p.Val10Leu)

Gene: TFAM (transcription factor A, mitochondrial; plus strand). Cytogenetic location: 10q21.1.
Variant type: single nucleotide variant.
Coding change: c.28G>T on transcript NM_003201.3 (MANE Select); coding-DNA position 28, G replaced by T.
Protein change: p.Val10Leu; replaces valine 10 with leucine.
Molecular consequence: missense variant. On other transcripts: non-coding transcript variant (1).
Genome position (GRCh38, 1-based): chr10:58,385,575, G>T. VCF-style: chr10-58385575-G-T. GRCh37 (hg19) VCF-style: chr10-60145335-G-T.
Other names: c.28G>T, p.Val10Leu (NM_001270782.2); short protein forms V10L.
Identifiers: ClinVar variation 2056594 (VCV002056594.4), dbSNP rs756889032, ClinGen allele CA5507852.